The following is an entry in ClinVar:

NM_001829.4(CLCN3):c.256G>T (p.Asp86Tyr)

Gene: CLCN3 (chloride voltage-gated channel 3; plus strand). Cytogenetic location: 4q33.
Variant type: single nucleotide variant.
Coding change: c.256G>T on transcript NM_001829.4 (MANE Select); coding-DNA position 256, G replaced by T.
Protein change: p.Asp86Tyr; replaces aspartic acid 86 with tyrosine.
Molecular consequence: missense variant.
Genome position (GRCh38, 1-based): chr4:169,680,145, G>T. VCF-style: chr4-169680145-G-T. GRCh37 (hg19) VCF-style: chr4-170601296-G-T.
Other names: c.256G>T, p.Asp86Tyr (NM_001243372.2, NM_173872.4); c.175G>T, p.Asp59Tyr (NM_001243374.2); short protein forms D59Y, D86Y.
Identifiers: ClinVar variation 2577679 (VCV002577679.1), dbSNP rs2476941937, ClinGen allele CA358735856.

ClinVar aggregate classification (germline): Uncertain significance (1 of 4 stars; one submission).

Submission:

GeneDx
Classification: Uncertain significance. Last evaluated: 2023-02-22. Review status: criteria provided, single submitter. Criteria: GeneDx Variant Classification Process June 2021. Collection method: clinical testing. Allele origin: germline. Affected: yes.
Comment: Not observed at significant frequency in large population cohorts (gnomAD); In silico analysis supports that this missense variant has a deleterious effect on protein structure/function; Has not been previously published as pathogenic or benign to our knowledge